The following is an entry in ClinVar:

NM_000632.4(ITGAM):c.2918T>A (p.Val973Glu)

Gene: ITGAM (integrin subunit alpha M; plus strand). Cytogenetic location: 16p11.2.
Variant type: single nucleotide variant.
Coding change: c.2918T>A on transcript NM_000632.4 (MANE Select); coding-DNA position 2918, T replaced by A.
Protein change: p.Val973Glu; replaces valine 973 with glutamic acid.
Molecular consequence: missense variant.
Genome position (GRCh38, 1-based): chr16:31,329,847, T>A. VCF-style: chr16-31329847-T-A. GRCh37 (hg19) VCF-style: chr16-31341168-T-A.
Other names: c.2921T>A, p.Val974Glu (NM_001145808.2); short protein forms V973E, V974E.
Identifiers: ClinVar variation 3661322 (VCV003661322.2).

ClinVar aggregate classification (germline): Uncertain significance (1 of 4 stars; one submission).

gnomAD v4.1: 1 of 1,564,470 alleles (0.000064%); highest among the groups gnomAD compares: Non-Finnish European, 0.000087%; no homozygotes.

Submission:

Labcorp Genetics (formerly Invitae), Labcorp
Classification: Uncertain significance. Last evaluated: 2024-08-03. Review status: criteria provided, single submitter. Criteria: Invitae Variant Classification Sherloc (09022015). Collection method: clinical testing. Allele origin: germline.
Comment: This sequence change replaces valine, which is neutral and non-polar, with glutamic acid, which is acidic and polar, at codon 973 of the ITGAM protein (p.Val973Glu). This variant is not present in population databases (gnomAD no frequency). This variant has not been reported in the literature in individuals affected with ITGAM-related conditions. An algorithm developed to predict the effect of missense changes on protein structure and function (PolyPhen-2) suggests that this variant is likely to be disruptive. In summary, the available evidence is currently insufficient to determine the role of this variant in disease. Therefore, it has been classified as a Variant of Uncertain Significance.